The following is an entry in ClinVar:

ClinVar aggregate classification (germline): Likely benign (1 of 4 stars; one submission).

Submission:

Women's Health and Genetics/Laboratory Corporation of America, LabCorp
Classification: Likely benign. Last evaluated: 2024-09-23. Review status: criteria provided, single submitter. Criteria: LabCorp Variant Classification Summary - May 2015. Collection method: clinical testing. Allele origin: germline.
Comment: Variant summary: KLHL3 c.1377T>C alters a conserved nucleotide resulting in a synonymous change. Consensus agreement among computation tools predict no significant impact on normal splicing. However, these predictions have yet to be confirmed by functional studies. The variant was absent in 251166 control chromosomes. The available data on variant occurrences in the general population are insufficient to allow any conclusion about variant significance. To our knowledge, no occurrence of c.1377T>C in individuals affected with Pseudohypoaldosteronism Type 2D and no experimental evidence demonstrating its impact on protein function have been reported. No submitters have cited clinical-significance assessments for this variant to ClinVar. Based on the evidence outlined above, the variant was classified as likely benign.

NM_017415.3(KLHL3):c.1377T>C (p.Thr459=)

Gene: KLHL3 (kelch like family member 3; minus strand). Cytogenetic location: 5q31.2.
Variant type: single nucleotide variant.
Coding change: c.1377T>C on transcript NM_017415.3 (MANE Select); coding-DNA position 1377, T replaced by C.
Protein change: p.Thr459=; no amino-acid change (threonine 459 retained).
Molecular consequence: synonymous variant.
Genome position (GRCh38, 1-based): chr5:137,634,110, A>G on the plus strand (T>C on the coding strand, the complement: KLHL3 is on the minus strand). VCF-style: chr5-137634110-A-G. GRCh37 (hg19) VCF-style: chr5-136969799-A-G.
Other names: c.1281T>C, p.Thr427= (NM_001257194.1); c.1131T>C, p.Thr377= (NM_001257195.2).
Identifiers: ClinVar variation 3375301 (VCV003375301.1).
Genomic context (GRCh38, chr5:137,634,110, plus strand): 5'-GCGGGTGCTCATGTCCGCCACGTATATCCATTCATTGGTCGCTGGGTTGTACTGCTCCAC[A>G]GTGCTCAGACACTGGCGGGAAGCTCCATCATAACCCCCAACAGCATATAGCTTCCCTGCA-3'
Protein context (NP_059111.2, residues 449-469): YDGASRQCLS[Thr459=]VEQYNPATNE